The following is an entry in ClinVar:

NM_005559.4(LAMA1):c.3267del (p.Cys1090fs)

Gene: LAMA1 (laminin subunit alpha 1; minus strand). Cytogenetic location: 18p11.31.
Variant type: Deletion.
Coding change: c.3267del on transcript NM_005559.4 (MANE Select); coding-DNA position 3267, one base deleted (C; older notation c.3267delC).
Protein change: p.Cys1090fs; shifts the reading frame from cysteine 1090.
Molecular consequence: frameshift variant.
Genome position (GRCh38, 1-based): chr18:7,013,911, G deleted on the plus strand (C on the coding strand, the reverse complement: LAMA1 is on the minus strand); the first of 3 consecutive G bases (chr18:7,013,911-7,013,913); deleting any one gives the same sequence. VCF-style (leftmost placement, unchanged base first): chr18-7013910-AG-A. GRCh37 (hg19) VCF-style: chr18-7013909-AG-A.
Other names: short protein forms C1090fs.
Identifiers: ClinVar variation 4846838 (VCV004846838.1).

ClinVar aggregate classification (germline): Likely pathogenic (1 of 4 stars; one submission).

Conditions:
Ataxia - intellectual disability - oculomotor apraxia - cerebellar cysts syndrome. Also called: Poretti-Boltshauser syndrome. Identifiers: Orphanet 370022, MedGen C4014821, MONDO:0014419, OMIM 615960.

Submission:

Laboratorio de Genetica e Diagnostico Molecular, Hospital Israelita Albert Einstein
Classification: Likely pathogenic for Ataxia - intellectual disability - oculomotor apraxia - cerebellar cysts syndrome. Last evaluated: 2025-08-19. Review status: criteria provided, single submitter. Criteria: ACMG Guidelines, 2015. Collection method: clinical testing. Allele origin: germline. Affected: yes.
Comment: ACMG classification criteria: PVS1 very strong, PM2 supporting